The following is an entry in ClinVar:

ClinVar aggregate classification (germline): Uncertain significance (1 of 4 stars; one submission).

Allele frequency attached by ClinVar (database versions not stated): gnomAD exomes below 0.00001.
gnomAD v4.1: 1 of 1,614,162 alleles (0.000062%); highest among the groups gnomAD compares: African/African-American, 0.0013%; no homozygotes.

Submission:

GeneDx
Classification: Uncertain significance. Last evaluated: 2019-01-18. Review status: criteria provided, single submitter. Criteria: GeneDx Variant Classification (06012015). Collection method: clinical testing. Allele origin: germline. Affected: yes.
Comment: Has not been previously published as pathogenic or benign to our knowledge. Not observed in large population cohorts (Lek et al., 2016). In silico analysis, which includes protein predictors and evolutionary conservation, supports a deleterious effect.

NM_177924.5(ASAH1):c.884C>T (p.Thr295Ile)

Gene: ASAH1 (N-acylsphingosine amidohydrolase 1; minus strand). Cytogenetic location: 8p22.
Variant type: single nucleotide variant.
Coding change: c.884C>T on transcript NM_177924.5 (MANE Select); coding-DNA position 884, C replaced by T.
Protein change: p.Thr295Ile; replaces threonine 295 with isoleucine.
Molecular consequence: missense variant.
Genome position (GRCh38, 1-based): chr8:18,059,605, G>A on the plus strand (C>T on the coding strand, the complement: ASAH1 is on the minus strand). VCF-style: chr8-18059605-G-A. GRCh37 (hg19) VCF-style: chr8-17917114-G-A.
Other names: c.866C>T, p.Thr289Ile (NM_001127505.3); c.689C>T, p.Thr230Ile (NM_001363743.2); c.932C>T, p.Thr311Ile (NM_004315.6); short protein forms T230I, T289I, T295I, T311I.
Identifiers: ClinVar variation 692208 (VCV000692208.1), dbSNP rs1588974686, ClinGen allele CA370427933.
Genomic context (GRCh38, chr8:18,059,605, plus strand): 5'-TTCTTTTGCTTTAACAAACCTACTTACTCATATACATCCAATGATTCCTTTCTGTCTCGT[G>A]TAATCACACAACCTTCCCCAGACTGGTTGCCTCCCAGGATAAAGTAGGCTGGGGCCAATA-3'
Protein context (NP_808592.2, residues 285-305): GNQSGEGCVI[Thr295Ile]RDRKESLDVY